The following is an entry in ClinVar:

ClinVar aggregate classification (germline): Benign. Review status: criteria provided, multiple submitters, no conflicts (2 of 4 stars). 4 submissions from 4 submitters: Benign (3). 1 of the submissions does not count toward it. Last evaluated 2026-02-03.

Conditions:
FAT2-related disorder. Also called: FAT2-related condition.
Spinocerebellar ataxia 45. Identifiers: Orphanet 589527, MedGen C4540400, MONDO:0033480, OMIM 617769.

Allele frequency attached by ClinVar (database versions not stated): TOPMed 0.47613; ESP Exome Variant Server 0.49639; ExAC 0.46785; gnomAD 0.49027 and 0.48572; gnomAD exomes 0.50554 and 0.46601; 1000 Genomes Project 0.41953; 1000 Genomes Project 30x 0.42130.
gnomAD v4.1: 812,611 of 1,613,548 alleles (50%); highest among the groups gnomAD compares: Non-Finnish European, 53%; 207,958 homozygotes.

Submissions (4):

Labcorp Genetics (formerly Invitae), Labcorp
Classification: Benign. Last evaluated: 2026-02-03. Review status: criteria provided, single submitter. Criteria: Invitae Variant Classification Sherloc (09022015). Collection method: clinical testing. Allele origin: germline.

Genome-Nilou Lab
Classification: Benign for Spinocerebellar ataxia 45. Last evaluated: 2021-08-10. Review status: criteria provided, single submitter. Criteria: ACMG Guidelines, 2015. Collection method: clinical testing. Allele origin: germline. Affected: no.

GeneDx
Classification: Benign. Last evaluated: 2021-05-04. Review status: criteria provided, single submitter. Criteria: GeneDx Variant Classification Process June 2021. Collection method: clinical testing. Allele origin: germline. Affected: yes.

PreventionGenetics, part of Exact Sciences
Classification: Benign for FAT2-related condition. Last evaluated: 2019-07-08. Review status: no assertion criteria provided. Collection method: clinical testing. Allele origin: germline. Not counted in ClinVar's aggregate classification.
Comment: This variant is classified as benign based on ACMG/AMP sequence variant interpretation guidelines (Richards et al. 2015 PMID: 25741868, with internal and published modifications).

NM_001447.3(FAT2):c.2562G>A (p.Arg854=)

Gene: FAT2 (FAT atypical cadherin 2; minus strand). Cytogenetic location: 5q33.1.
Variant type: single nucleotide variant.
Coding change: c.2562G>A on transcript NM_001447.3 (MANE Select); coding-DNA position 2562, G replaced by A.
Protein change: p.Arg854=; no amino-acid change (arginine 854 retained).
Molecular consequence: synonymous variant.
Genome position (GRCh38, 1-based): chr5:151,566,370, C>T on the plus strand (G>A on the coding strand, the complement: FAT2 is on the minus strand). VCF-style: chr5-151566370-C-T. GRCh37 (hg19) VCF-style: chr5-150945931-C-T.
Identifiers: ClinVar variation 1278729 (VCV001278729.9), dbSNP rs3734058, ClinGen allele CA3522047.